The following is an entry in ClinVar:

ClinVar aggregate classification (germline): Uncertain significance. Review status: criteria provided, multiple submitters, no conflicts (2 of 4 stars). 2 submissions from 2 submitters: Uncertain significance (2). Last evaluated 2025-07-14.

Conditions:
Cardiovascular phenotype. Identifiers: MedGen CN230736.
Brugada syndrome. Also called: Sudden unexpected nocturnal death syndrome; Sudden unexplained nocturnal death syndrome; Sudden Unexplained Death Syndrome; Sudden Unexplained Nocturnal Death Syndrome (SUNDS). Identifiers: Orphanet 130, MedGen C1142166, MONDO:0015263.

Submissions (2):

Labcorp Genetics (formerly Invitae), Labcorp
Classification: Uncertain significance for Brugada syndrome. Last evaluated: 2025-07-14. Review status: criteria provided, single submitter. Criteria: Invitae Variant Classification Sherloc (09022015). Collection method: clinical testing. Allele origin: germline.
Comment: This sequence change replaces methionine, which is neutral and non-polar, with leucine, which is neutral and non-polar, at codon 1618 of the SCN10A protein (p.Met1618Leu). This variant is not present in population databases (gnomAD no frequency). This variant has not been reported in the literature in individuals affected with SCN10A-related conditions. ClinVar contains an entry for this variant (Variation ID: 665273). Invitae Evidence Modeling of protein sequence and biophysical properties (such as structural, functional, and spatial information, amino acid conservation, physicochemical variation, residue mobility, and thermodynamic stability) indicates that this missense variant is expected to disrupt SCN10A protein function with a positive predictive value of 80%. In summary, the available evidence is currently insufficient to determine the role of this variant in disease. Therefore, it has been classified as a Variant of Uncertain Significance.

Ambry Genetics
Classification: Uncertain significance for Cardiovascular phenotype. Last evaluated: 2023-01-26. Review status: criteria provided, single submitter. Criteria: Ambry Variant Classification Scheme 2023. Collection method: clinical testing. Allele origin: germline.
Comment: Does not currently meet published gene-disease clinical validity criteria for this gene (Smith, 2017) Based on insufficient or conflicting evidence, the clinical significance of this alteration remains unclear.

Literature cited by the submitters: PubMed 28106320 (cited by Ambry Genetics).

NM_006514.4(SCN10A):c.4852A>C (p.Met1618Leu)

Gene: SCN10A (sodium voltage-gated channel alpha subunit 10; minus strand). Cytogenetic location: 3p22.2.
Variant type: single nucleotide variant.
Coding change: c.4852A>C on transcript NM_006514.4 (MANE Select); coding-DNA position 4852, A replaced by C.
Protein change: p.Met1618Leu; replaces methionine 1618 with leucine.
Molecular consequence: missense variant.
Genome position (GRCh38, 1-based): chr3:38,698,368, T>G on the plus strand (A>C on the coding strand, the complement: SCN10A is on the minus strand). VCF-style: chr3-38698368-T-G. GRCh37 (hg19) VCF-style: chr3-38739859-T-G.
Other names: c.4852A>C (NM_006514.2); c.4849A>C, p.Met1617Leu (NM_001293306.2); c.4558A>C, p.Met1520Leu (NM_001293307.2); short protein forms M1520L, M1617L, M1618L.
Identifiers: ClinVar variation 665273 (VCV000665273.7), dbSNP rs1575917442, ClinGen allele CA352155414.